The following is an entry in ClinVar:

NM_001374259.2(IL12RB2):c.2251C>T (p.Pro751Ser)

Gene: IL12RB2 (interleukin 12 receptor subunit beta 2; plus strand). Cytogenetic location: 1p31.3.
Variant type: single nucleotide variant.
Coding change: c.2251C>T on transcript NM_001374259.2 (MANE Select); coding-DNA position 2251, C replaced by T.
Protein change: p.Pro751Ser; replaces proline 751 with serine.
Molecular consequence: missense variant. On other transcripts: 3 prime UTR variant (3), non-coding transcript variant (2).
Genome position (GRCh38, 1-based): chr1:67,395,751, C>T. VCF-style: chr1-67395751-C-T. GRCh37 (hg19) VCF-style: chr1-67861434-C-T.
Other names: c.*171C>T (NM_001258214.1, NM_001319233.1); c.1993C>T, p.Pro665Ser (NM_001258215.1); c.*152C>T (NM_001258216.1); c.2251C>T, p.Pro751Ser (NM_001559.3); c.2251C>T (NM_001559.2); short protein forms P665S, P751S.
Identifiers: ClinVar variation 1415131 (VCV001415131.7), dbSNP rs764594675, ClinGen allele CA900697.
Genomic context (GRCh38, chr1:67,395,751, plus strand): 5'-AAAGGAATCCAAGGTCATCAGGCCTCTGAGAAAGACATGATGCACAGTGCCTCAAGCCCA[C>T]CACCTCCAAGAGCTCTCCAAGCTGAGAGCAGACAACTGGTGGATCTGTACAAGGTGCTGG-3'
Protein context (NP_001361188.1, residues 741-761): KDMMHSASSP[Pro751Ser]PPRALQAESR

ClinVar aggregate classification (germline): Uncertain significance. Review status: criteria provided, multiple submitters, no conflicts (2 of 4 stars). 2 submissions from 2 submitters: Uncertain significance (2). Last evaluated 2026-02-02.

Allele frequency attached by ClinVar (database versions not stated): TOPMed 0.00006; gnomAD 0.00007 and 0.00009; gnomAD exomes 0.00007 and 0.00008; ExAC 0.00008.
gnomAD v4.1: 105 of 1,613,802 alleles (0.0065%); highest among the groups gnomAD compares: Non-Finnish European, 0.0081%; no homozygotes.

Submissions (2):

Labcorp Genetics (formerly Invitae), Labcorp
Classification: Uncertain significance. Last evaluated: 2026-02-02. Review status: criteria provided, single submitter. Criteria: Invitae Variant Classification Sherloc (09022015). Collection method: clinical testing. Allele origin: germline.
Comment: This sequence change replaces proline, which is neutral and non-polar, with serine, which is neutral and polar, at codon 751 of the IL12RB2 protein (p.Pro751Ser). This variant is present in population databases (rs764594675, gnomAD 0.02%). This variant has not been reported in the literature in individuals affected with IL12RB2-related conditions. ClinVar contains an entry for this variant (Variation ID: 1415131). An algorithm developed to predict the effect of missense changes on protein structure and function outputs the following: PolyPhen-2: "Benign". The serine amino acid residue is found in multiple mammalian species, which suggests that this missense change does not adversely affect protein function. In summary, the available evidence is currently insufficient to determine the role of this variant in disease. Therefore, it has been classified as a Variant of Uncertain Significance.

Ambry Genetics
Classification: Uncertain significance. Last evaluated: 2023-02-16. Review status: criteria provided, single submitter. Criteria: Ambry Variant Classification Scheme 2023. Collection method: clinical testing. Allele origin: germline.